The following is an entry in ClinVar:

ClinVar aggregate classification (germline): Pathogenic/Likely pathogenic. Review status: criteria provided, multiple submitters, no conflicts (2 of 4 stars). 4 submissions from 4 submitters: Pathogenic (1); Likely pathogenic (3). Last evaluated 2025-06-25.

Conditions:
Glutaric aciduria, type 1. Also called: Glutaricacidemia Type 1; Glutaryl-CoA dehydrogenase deficiency; Glutaric Acidemia Type 1; GA I; Glutaric acidemia type I; Glutaricaciduria, type I. Identifiers: Orphanet 25, MedGen C0268595, MONDO:0009281, OMIM 231670.

Allele frequency attached by ClinVar (database versions not stated): gnomAD exomes below 0.00001; ExAC 0.00001.
gnomAD v4.1: 1 of 1,614,104 alleles (0.000062%); highest among the groups gnomAD compares: Admixed American, 0.0017%; no homozygotes.

Submissions (4):

Women's Health and Genetics/Laboratory Corporation of America, LabCorp
Classification: Likely pathogenic for Glutaric aciduria, type 1. Last evaluated: 2025-06-25. Review status: criteria provided, single submitter. Criteria: LabCorp Variant Classification Summary - May 2015. Collection method: clinical testing. Allele origin: germline.
Comment: Variant summary: GCDH c.797T>C (p.Met266Thr) results in a non-conservative amino acid change located in the Acyl-CoA oxidase/dehydrogenase, middle domain (IPR006091) of the encoded protein sequence. Algorithms developed to predict the effect of missense changes on protein structure and function all suggest that this variant is likely to be disruptive. The variant allele was found at a frequency of 4e-06 in 251114 control chromosomes. c.797T>C has been observed in homozygous and compound heterozygous individuals affected with Glutaric Acidemia Type 1 (e.g. Wen_2021, E_2021, Xiao_2020, Internal data). These data indicate that the variant may be associated with disease. To our knowledge, no experimental evidence demonstrating an impact on protein function has been reported. A different variant affecting the same codon (c.796A>G, p.Met266Val) has been classified as Pathogenic/Likely pathogenic in ClinVar, suggesting a critical role of codon 266 in GCDH protein function. The following publications have been ascertained in the context of this evaluation (PMID: 23225040, 34306040, 32508882). ClinVar contains an entry for this variant (Variation ID: 575670). Based on the evidence outlined above, the variant was classified as likely pathogenic.

Fulgent Genetics
Classification: Likely pathogenic for Glutaric aciduria, type 1. Last evaluated: 2024-04-09. Review status: criteria provided, single submitter. Criteria: ACMG Guidelines, 2015. Collection method: clinical testing. Allele origin: germline.

GeneDx
Classification: Likely pathogenic. Last evaluated: 2024-03-14. Review status: criteria provided, single submitter. Criteria: GeneDx Variant Classification Process June 2021. Collection method: clinical testing. Allele origin: germline. Affected: yes.
Comment: Previously reported in association with glutaric aciduria type I; detailed clinical information was not provided (PMID: 34306040); Not observed at significant frequency in large population cohorts (gnomAD); In silico analysis supports that this missense variant has a deleterious effect on protein structure/function; This variant is associated with the following publications: (PMID: 23225040, 37020324, 34306040)

Labcorp Genetics (formerly Invitae), Labcorp
Classification: Pathogenic for Glutaric aciduria, type 1. Last evaluated: 2024-01-12. Review status: criteria provided, single submitter. Criteria: Invitae Variant Classification Sherloc (09022015). Collection method: clinical testing. Allele origin: germline.
Comment: This sequence change replaces methionine, which is neutral and non-polar, with threonine, which is neutral and polar, at codon 266 of the GCDH protein (p.Met266Thr). This variant is present in population databases (rs771650894, gnomAD 0.0009%). This missense change has been observed in individual(s) with glutaric acidemia type I (PMID: 23225040; Invitae). ClinVar contains an entry for this variant (Variation ID: 575670). Advanced modeling of protein sequence and biophysical properties (such as structural, functional, and spatial information, amino acid conservation, physicochemical variation, residue mobility, and thermodynamic stability) performed at Invitae indicates that this missense variant is expected to disrupt GCDH protein function with a positive predictive value of 80%. This variant disrupts the p.Met266 amino acid residue in GCDH. Other variant(s) that disrupt this residue have been observed in individuals with GCDH-related conditions (PMID: 17642054), which suggests that this may be a clinically significant amino acid residue. For these reasons, this variant has been classified as Pathogenic.

Literature cited by the submitters: PubMed 23225040 (cited by Women's Health and Genetics/Laboratory Corporation of America, LabCorp and Labcorp Genetics (formerly Invitae), Labcorp); PubMed 34306040 (cited by Women's Health and Genetics/Laboratory Corporation of America, LabCorp); PubMed 32508882 (cited by Women's Health and Genetics/Laboratory Corporation of America, LabCorp); PubMed 17642054 (cited by Labcorp Genetics (formerly Invitae), Labcorp).

NM_000159.4(GCDH):c.797T>C (p.Met266Thr)

Gene: GCDH (glutaryl-CoA dehydrogenase; plus strand). Cytogenetic location: 19p13.13.
Variant type: single nucleotide variant.
Coding change: c.797T>C on transcript NM_000159.4 (MANE Select); coding-DNA position 797, T replaced by C.
Protein change: p.Met266Thr; replaces methionine 266 with threonine.
Molecular consequence: missense variant. On other transcripts: non-coding transcript variant (2).
Genome position (GRCh38, 1-based): chr19:12,896,366, T>C. VCF-style: chr19-12896366-T-C. GRCh37 (hg19) VCF-style: chr19-13007180-T-C.
Other names: c.797T>C, p.Met266Thr (NM_013976.5); c.797T>C (NM_000159.2); short protein forms M266T.
Identifiers: ClinVar variation 575670 (VCV000575670.16), dbSNP rs771650894, ClinGen allele CA9234492.
Genomic context (GRCh38, chr19:12,896,366, plus strand): 5'-CGGCCCCCAGGATCCAGGGCAAGTTCTCGCTGCGGGCCTCAGCCACAGGCATGATCATCA[T>C]GGACGGTGTGGAGGTGCCAGAGGAGAATGTGCTCCCTGGTGCATCCAGCCTGGGGGTAAG-3'
Protein context (NP_000150.1, residues 256-276): LRASATGMII[Met266Thr]DGVEVPEENV